The following is an entry in ClinVar:

Single allele

Genes: CAMK4 (calcium/calmodulin dependent protein kinase IV; plus strand), EFNA5 (ephrin A5; minus strand), EPB41L4A (erythrocyte membrane protein band 4.1 like 4A; minus strand), FBXL17 (F-box and leucine rich repeat protein 17; minus strand), FER (FER tyrosine kinase; plus strand) and 8 more. Cytogenetic location: 5q21.3-22.2.
Variant type: Deletion.
Identifiers: ClinVar variation 2671613 (VCV002671613.1).

ClinVar aggregate classification (germline): Uncertain significance (1 of 4 stars; one submission).

Submission:

Illumina Laboratory Services, Illumina
Classification: Uncertain significance. Last evaluated: 2023-08-24. Review status: criteria provided, single submitter. Criteria: ICSL CNVClassificationCriteria Aug2020. Collection method: clinical testing. Allele origin: unknown.
Comment: This CNV is a 5.7 Mb deletion of 5q21.3-q22.2 on chromosome 5, seq[GRCh37]del(5)(q21.3q22.2), NC_000005.9:g.106137712_111825745del. This CNV encompasses 13 protein-coding genes, with breakpoints in intergenic regions. There is limited evidence for an association of the CAMK4 gene with an autosomal dominant complex neurodevelopmental disorder (PMID: 33211350) and two genes, EFNA5 and FBLX17, are predicted to be intolerant to loss-of-function variation but to date do not have enough evidence for an association with disease. The SLC25A46 gene is associated with hereditary motor and sensory neuropathy type 6B and pontocerebellar hypoplasia type 1E, both of which follow an autosomal recessive pattern of inheritance. Similar deletions have been identified in two patients with syndromic neurodevelopmental phenotypes (PMID 19344873; 22970919). This CNV has not been reported in controls. Based on the available evidence, this CNV is classified as a variant of uncertain significance.